The following is an entry in ClinVar:

ClinVar aggregate classification (germline): Conflicting classifications of pathogenicity. Review status: criteria provided, conflicting classifications (1 of 4 stars). 6 submissions from 6 submitters: Uncertain significance (2); Benign (1); Likely benign (3). Last evaluated 2025-12-17.

Conditions:
Hereditary cancer-predisposing syndrome. Also called: Tumor predisposition; Hereditary Cancer Syndrome; Hereditary neoplastic syndrome; Neoplastic Syndromes, Hereditary. Identifiers: Orphanet 140162, MedGen C0027672, MeSH D009386, MONDO:0015356.
Retinoblastoma (RB1). Also called: RETINOBLASTOMA, SOMATIC. Identifiers: Orphanet 790, MedGen C0035335, MeSH D012175, MONDO:0008380, OMIM 180200, HP:0009919. Disease mechanism: loss of function. Inheritance: Both sporadic and heritable forms are tested..

Allele frequency attached by ClinVar (database versions not stated): ExAC 0.00002; gnomAD exomes 0.00002 and 0.00004; gnomAD 0.00003 and 0.00004; TOPMed 0.00004; ESP Exome Variant Server 0.00008.
gnomAD v4.1: 58 of 1,614,068 alleles (0.0036%); highest among the groups gnomAD compares: Non-Finnish European, 0.0047%; no homozygotes.

Submissions (6):

Labcorp Genetics (formerly Invitae), Labcorp
Classification: Benign for Retinoblastoma. Last evaluated: 2025-12-17. Review status: criteria provided, single submitter. Criteria: Invitae Variant Classification Sherloc (09022015). Collection method: clinical testing. Allele origin: germline.

All of Us Research Program, National Institutes of Health
Classification: Likely benign for Retinoblastoma. Last evaluated: 2023-12-18. Review status: criteria provided, single submitter. Criteria: ACMG Guidelines, 2015. Collection method: clinical testing. Allele origin: germline. Inheritance: Autosomal dominant inheritance. Observed: 8 variant alleles, 8 heterozygotes.
Comment: This study involves interpretation of variants in research participants for the purpose of population health screening. Participant phenotype was not available at the time of variant classification. Additional details can be found in publication PMID: 35346344, PMCID: PMC8962531

GeneDx
Classification: Uncertain significance. Last evaluated: 2022-11-09. Review status: criteria provided, single submitter. Criteria: GeneDx Variant Classification Process June 2021. Collection method: clinical testing. Allele origin: germline. Affected: yes.
Comment: Not observed at significant frequency in large population cohorts (gnomAD); In silico analysis supports that this missense variant does not alter protein structure/function; Has not been previously published as pathogenic or benign to our knowledge; This variant is associated with the following publications: (PMID: 23516486, Dayalan_2006_Review, 24686850, 35434667)

Color Diagnostics, LLC DBA Color Health
Classification: Likely benign for Retinoblastoma. Last evaluated: 2022-05-02. Review status: criteria provided, single submitter. Criteria: ACMG Guidelines, 2015. Collection method: clinical testing. Allele origin: germline.

Sema4
Classification: Uncertain significance for Hereditary cancer-predisposing syndrome. Last evaluated: 2022-02-16. Review status: criteria provided, single submitter. Criteria: Sema4 Curation Guidelines. Collection method: curation. Allele origin: germline.
Comment: To the best of our knowledge, the RB1 c.1887G>C (p.E629D) variant has not been reported in individuals with RB1-related disease. This variant was observed in 4/113746 chromosomes in the Non-Finnish European population according to the Genome Aggregation Database (PMID: 32461654), and has been reported in ClinVar (Variation ID: 410945). Functional studies have not been performed, and in silico predictions of the variant's effect on protein function are inconclusive. The evidence is insufficient to meet ACMG/AMP criteria for classifying the variant as benign or pathogenic. Thus, the clinical significance of this variant is currently uncertain.

Ambry Genetics
Classification: Likely benign for Hereditary cancer-predisposing syndrome. Last evaluated: 2021-11-03. Review status: criteria provided, single submitter. Criteria: Ambry Variant Classification Scheme 2023. Collection method: clinical testing. Allele origin: germline.

NM_000321.3(RB1):c.1887G>C (p.Glu629Asp)

Gene: RB1 (RB transcriptional corepressor 1; plus strand). Cytogenetic location: 13q14.2.
Variant type: single nucleotide variant.
Coding change: c.1887G>C on transcript NM_000321.3 (MANE Select); coding-DNA position 1887, G replaced by C.
Protein change: p.Glu629Asp; replaces glutamic acid 629 with aspartic acid.
Molecular consequence: missense variant.
Genome position (GRCh38, 1-based): chr13:48,456,276, G>C. VCF-style: chr13-48456276-G-C. GRCh37 (hg19) VCF-style: chr13-49030412-G-C.
Other names: short protein forms E629D.
Identifiers: ClinVar variation 410945 (VCV000410945.22), dbSNP rs367668687, ClinGen allele CA032967.
Genomic context (GRCh38, chr13:48,456,276, plus strand): 5'-TGTAAGATCTCCAAAGAAAAAAGGTTCAACTACGCGTGTAAATTCTACTGCAAATGCAGA[G>C]ACACAAGCAACCTCAGCCTTCCAGACCCAGAAGCCATTGAAATCTACCTCTCTTTCACTG-3'
Protein context (NP_000312.2, residues 619-639): TTRVNSTANA[Glu629Asp]TQATSAFQTQ